The following is an entry in ClinVar:

NM_001211.6(BUB1B):c.2dup (p.Met1fs)

Genes: BUB1B (BUB1 mitotic checkpoint serine/threonine kinase B; plus strand), LOC130056830 (ATAC-STARR-seq lymphoblastoid active region 9236; plus strand). Cytogenetic location: 15q15.1.
Variant type: Duplication.
Coding change: c.2dup on transcript NM_001211.6 (MANE Select); coding-DNA position 2, one base duplicated (T; older notation c.2dupT).
Protein change: p.Met1fs; shifts the reading frame from methionine 1.
Molecular consequence: frameshift variant, initiator codon variant.
Genome position (GRCh38, 1-based): chr15:40,161,222, T duplicated. VCF-style (leftmost placement, unchanged base first): chr15-40161221-A-AT. GRCh37 (hg19) VCF-style: chr15-40453422-A-AT.
Other names: short protein forms M1fs.
Identifiers: ClinVar variation 1042564 (VCV001042564.11), dbSNP rs2037039121, ClinGen allele CA2171651102.
Genomic context (GRCh38, chr15:40,161,221, plus strand): 5'-CGGTCTGTGGCCCAGAGGAAAGGCCTGCAGCAGGACGAGGACCTGAGCCAGGAATGCAGG[A>AT]TGGCGGCGGTGAAGAAGGAAGGGGGTGCTCTGAGGTAGGTACGGGAGAAAGCTGCTGGGG-3'

ClinVar aggregate classification (germline): Uncertain significance (1 of 4 stars; one submission).

Conditions:
Mosaic variegated aneuploidy syndrome 1 (MVA1). Also called: Warburton-Anyane-Yeboa syndrome. Identifiers: Orphanet 1052, MedGen C1850343, MONDO:0009759, OMIM 257300.

Submission:

Labcorp Genetics (formerly Invitae), Labcorp
Classification: Uncertain significance for Mosaic variegated aneuploidy syndrome 1. Last evaluated: 2020-08-31. Review status: criteria provided, single submitter. Criteria: Invitae Variant Classification Sherloc (09022015). Collection method: clinical testing. Allele origin: germline.
Comment: In summary, the available evidence is currently insufficient to determine the role of this variant in disease. Therefore, it has been classified as a Variant of Uncertain Significance. This variant has not been reported in the literature in individuals with BUB1B-related conditions. This variant is not present in population databases (ExAC no frequency). This sequence change affects the initiator methionine of the BUB1B mRNA. The next in-frame methionine is located at codon 15.